The following is an entry in ClinVar:

NM_017882.3(CLN6):c.510C>A (p.Tyr170Ter)

Gene: CLN6 (CLN6 transmembrane ER protein; minus strand). Cytogenetic location: 15q23.
Variant type: single nucleotide variant.
Coding change: c.510C>A on transcript NM_017882.3 (MANE Select); coding-DNA position 510, C replaced by A.
Protein change: p.Tyr170Ter; replaces tyrosine 170 with a stop codon.
Molecular consequence: nonsense.
Genome position (GRCh38, 1-based): chr15:68,211,295, G>T on the plus strand (C>A on the coding strand, the complement: CLN6 is on the minus strand). VCF-style: chr15-68211295-G-T. GRCh37 (hg19) VCF-style: chr15-68503633-G-T.
Other names: c.606C>A, p.Tyr202Ter (NM_001411068.1); short protein forms Y170*, Y202*.
Identifiers: ClinVar variation 2103197 (VCV002103197.4), dbSNP rs2505407693, ClinGen allele CA392973176.

ClinVar aggregate classification (germline): Pathogenic (1 of 4 stars; one submission).

Conditions:
Neuronal ceroid lipofuscinosis. Also called: Neuronal Ceroid Lipofuscinoses. Identifiers: Orphanet 216, Orphanet 79263, MedGen C0027877, MONDO:0016295. Disease mechanism: loss of function.

Submission:

Labcorp Genetics (formerly Invitae), Labcorp
Classification: Pathogenic for Neuronal ceroid lipofuscinosis. Last evaluated: 2022-02-25. Review status: criteria provided, single submitter. Criteria: Invitae Variant Classification Sherloc (09022015). Collection method: clinical testing. Allele origin: germline.
Comment: For these reasons, this variant has been classified as Pathogenic. Algorithms developed to predict the effect of sequence changes on RNA splicing suggest that this variant may disrupt the consensus splice site. This variant has not been reported in the literature in individuals affected with CLN6-related conditions. This variant is not present in population databases (gnomAD no frequency). This sequence change creates a premature translational stop signal (p.Tyr170*) in the CLN6 gene. It is expected to result in an absent or disrupted protein product. Loss-of-function variants in CLN6 are known to be pathogenic (PMID: 19135028).

Literature cited by the submitters: PubMed 19135028.